The following is an entry in ClinVar:

ClinVar aggregate classification (germline): Conflicting classifications of pathogenicity. Review status: criteria provided, conflicting classifications (1 of 4 stars). 7 submissions from 7 submitters: Uncertain significance (4); Likely benign (3). Last evaluated 2026-02-11.

Conditions:
TTN-related disorder. Also called: TTN-related condition; TTN-related disease; TTN-related disorders.
Cardiovascular phenotype. Identifiers: MedGen CN230736.
Cardiomyopathy (CMYO). Also called: Cardiomyopathies. Identifiers: Orphanet 167848, MedGen C0878544, MONDO:0004994, HP:0001638. Inheritance: Various modes of inheritance.
Hypertrophic cardiomyopathy. Also called: HYPERTROPHIC MYOCARDIOPATHY. Identifiers: Orphanet 217569, MedGen C0007194, MeSH D002312, MONDO:0005045, HP:0001639.

Allele frequency attached by ClinVar (database versions not stated): gnomAD 0.00001 and 0.00007; TOPMed 0.00003; gnomAD exomes 0.00020; ExAC 0.00023; 1000 Genomes Project 30x 0.00094; 1000 Genomes Project 0.00120.

Submissions (7):

PreventionGenetics, part of Exact Sciences
Classification: Likely benign for TTN-related condition. Last evaluated: 2026-02-11. Review status: criteria provided, single submitter. Criteria: ACMG Guidelines, 2015. Collection method: clinical testing. Allele origin: germline.
Comment: This variant is classified as likely benign based on ACMG/AMP sequence variant interpretation guidelines (Richards et al. 2015 PMID: 25741868, with internal and published modifications).

Women's Health and Genetics/Laboratory Corporation of America, LabCorp
Classification: Likely benign. Last evaluated: 2025-09-15. Review status: criteria provided, single submitter. Criteria: LabCorp Variant Classification Summary - May 2015. Collection method: clinical testing. Allele origin: germline.
Comment: Variant summary: TTN c.52171C>T (p.Arg17391Cys) results in a non-conservative amino acid change located in the A-band region of the encoded protein sequence. Algorithms developed to predict the effect of missense changes on protein structure and function are either unavailable or do not agree on the potential impact of this missense change. The variant allele was found at a frequency of 9.9e-05 in 1606142 control chromosomes, predominantly at a frequency of 0.0016 within the South Asian subpopulation in the gnomAD database (v4.1 dataset), including 2 homozygotes. The observed variant frequency within South Asian control individuals in the gnomAD database exceeds the estimated maximal expected allele frequency for disease-causing variants in TTN. To our knowledge, no occurrence of c.52171C>T in individuals affected with TTN-related conditions and no experimental evidence demonstrating its impact on protein function have been reported. ClinVar contains an entry for this variant (Variation ID: 592799). Based on the evidence outlined above, the variant was classified as likely benign.

Revvity Omics, Revvity
Classification: Uncertain significance. Last evaluated: 2024-10-04. Review status: criteria provided, single submitter. Criteria: ACMG Guidelines, 2015. Collection method: clinical testing. Allele origin: germline.

Ambry Genetics
Classification: Uncertain significance for Cardiovascular phenotype. Last evaluated: 2018-09-12. Review status: criteria provided, single submitter. Criteria: Ambry Variant Classification Scheme 2023. Collection method: clinical testing. Allele origin: germline.
Comment: The p.R10894C variant (also known as c.32680C>T), located in coding exon 129 of the TTN gene, results from a C to T substitution at nucleotide position 32680. The arginine at codon 10894 is replaced by cysteine, an amino acid with highly dissimilar properties. Based on data from gnomAD, the C allele has an overall frequency of approximately 0.02% (50/244880) total alleles studied. The highest observed frequency was 0.15% (46/30764) of South Asian alleles. This amino acid position is highly conserved in available vertebrate species. In addition, this alteration is predicted to be tolerated by in silico analysis. Since supporting evidence is limited at this time, the clinical significance of this alteration remains unclear.

Eurofins Ntd Llc (ga)
Classification: Uncertain significance. Last evaluated: 2018-08-10. Review status: criteria provided, single submitter. Criteria: EGL ClinVar v180209 classification definitions. Collection method: clinical testing. Allele origin: germline. Observed: 2 variant alleles, 2 heterozygotes.

CHEO Genetics Diagnostic Laboratory, Children's Hospital of Eastern Ontario
Classification: Uncertain significance for Cardiomyopathy. Last evaluated: 2016-10-27. Review status: criteria provided, single submitter. Criteria: ACMG Guidelines, 2015. Collection method: clinical testing. Allele origin: germline. Study: Canadian Open Genetics Repository.

Genetics and Genomics Program, Sidra Medicine
Classification: Likely benign for Hypertrophic cardiomyopathy. Review status: criteria provided, single submitter. Criteria: ACMG Guidelines, 2015. Collection method: research. Allele origin: unknown. Affected: yes. Observed: 1 variant allele.

NM_001267550.2(TTN):c.59875C>T (p.Arg19959Cys)

Genes: TTN (titin; minus strand), TTN-AS1 (TTN antisense RNA 1; plus strand), LOC126806424 (CDK7 strongly-dependent group 2 enhancer GRCh37_chr2:179456337-179457536; plus strand). Cytogenetic location: 2q31.2.
Variant type: single nucleotide variant.
Coding change: c.59875C>T on transcript NM_001267550.2 (MANE Select); coding-DNA position 59875, C replaced by T.
Protein change: p.Arg19959Cys; replaces arginine 19959 with cysteine.
Molecular consequence: missense variant.
Genome position (GRCh38, 1-based): chr2:178,592,029, G>A on the plus strand (C>T on the coding strand, the complement: TTN is on the minus strand). VCF-style: chr2-178592029-G-A. GRCh37 (hg19) VCF-style: chr2-179456756-G-A.
Other names: c.54952C>T, p.Arg18318Cys (NM_001256850.1); c.32680C>T, p.Arg10894Cys (NM_003319.4); c.52171C>T, p.Arg17391Cys (NM_133378.4); c.33055C>T, p.Arg11019Cys (NM_133432.3); c.33256C>T, p.Arg11086Cys (NM_133437.4); short protein forms R17391C, R19959C, R18318C, R10894C, R11086C, R11019C.
Identifiers: ClinVar variation 592799 (VCV000592799.16), dbSNP rs564432498, ClinGen allele CA1992589.